The following is an entry in ClinVar:

ClinVar aggregate classification (germline): Likely pathogenic (1 of 4 stars; one submission).

Conditions:
Spondylocostal dysostosis 1, autosomal recessive (SCDO1). Also called: DLL3-Related Spondylocostal Dysostosis, Autosomal Recessive. Identifiers: Orphanet 2311, MedGen CN032975, MONDO:0020692, OMIM 277300.

Submission:

First Genomix Gene Laboratory, Genetic Diagnostics Department
Classification: Likely pathogenic for Spondylocostal dysostosis 1, autosomal recessive. Last evaluated: 2025-09-04. Review status: criteria provided, single submitter. Criteria: ACMG Guidelines, 2015. Collection method: clinical testing. Allele origin: germline. Inheritance: Autosomal recessive inheritance. Affected: no. Observed: 1 variant allele.

NM_203486.3(DLL3):c.1362_1380delinsGT (p.Cys455fs)

Gene: DLL3 (delta like canonical Notch ligand 3; plus strand). Cytogenetic location: 19q13.2.
Variant type: Indel.
Coding change: c.1362_1380delinsGT on transcript NM_203486.3 (MANE Select); coding-DNA positions 1362 to 1380, TTGCGCTCCCGGCTACATG replaced by GT.
Protein change: p.Cys455fs; shifts the reading frame from cysteine 455.
Molecular consequence: frameshift variant.
Genome position (GRCh38, 1-based): chr19:39,507,307-39,507,325, TTGCGCTCCCGGCTACATG replaced by GT. VCF-style: chr19-39507307-TTGCGCTCCCGGCTACATG-GT. GRCh37 (hg19) VCF-style: chr19-39997947-TTGCGCTCCCGGCTACATG-GT.
Other names: c.1362_1380delinsGT, p.Cys455fs (NM_016941.4); short protein forms C455fs.
Identifiers: ClinVar variation 4850279 (VCV004850279.1).